The following is an entry in ClinVar:

NM_001122955.4(BSCL2):c.744C>T (p.Tyr248=)

Genes: BSCL2 (BSCL2 lipid droplet biogenesis associated, seipin; minus strand), HNRNPUL2-BSCL2 (HNRNPUL2-BSCL2 readthrough (NMD candidate); minus strand). Cytogenetic location: 11q12.3.
Variant type: single nucleotide variant.
Coding change: c.744C>T on transcript NM_001122955.4 (MANE Select); coding-DNA position 744, C replaced by T.
Protein change: p.Tyr248=; no amino-acid change (tyrosine 248 retained).
Molecular consequence: synonymous variant. On other transcripts: non-coding transcript variant (1).
Genome position (GRCh38, 1-based): chr11:62,692,684, G>A on the plus strand (C>T on the coding strand, the complement: BSCL2 is on the minus strand). VCF-style: chr11-62692684-G-A. GRCh37 (hg19) VCF-style: chr11-62460156-G-A.
Other names: c.552C>T, p.Tyr184= (NM_001130702.2, NM_032667.6); c.744C>T, p.Tyr248= (NM_001386027.1, NM_001386028.1).
Identifiers: ClinVar variation 2641893 (VCV002641893.26), dbSNP rs766655185, ClinGen allele CA6053485.

ClinVar aggregate classification (germline): Likely benign. Review status: criteria provided, multiple submitters, no conflicts (2 of 4 stars). 2 submissions from 2 submitters: Likely benign (2). Last evaluated 2024-10-16.

Conditions:
Charcot-Marie-Tooth disease type 2. Also called: Charcot-Marie-Tooth type 2. Identifiers: Orphanet 64746, MedGen C0270914, MONDO:0018993.

Allele frequency attached by ClinVar (database versions not stated): gnomAD exomes below 0.00001; gnomAD 0.00001; TOPMed 0.00001; ExAC 0.00002.
gnomAD v4.1: 6 of 1,614,008 alleles (0.00037%); highest among the groups gnomAD compares: African/African-American, 0.004%; no homozygotes.

Submissions (2):

Labcorp Genetics (formerly Invitae), Labcorp
Classification: Likely benign for Charcot-Marie-Tooth disease type 2. Last evaluated: 2024-10-16. Review status: criteria provided, single submitter. Criteria: Invitae Variant Classification Sherloc (09022015). Collection method: clinical testing. Allele origin: germline.

CeGaT Center for Human Genetics Tuebingen
Classification: Likely benign. Last evaluated: 2022-03-01. Review status: criteria provided, single submitter. Criteria: CeGaT Center For Human Genetics Tuebingen Variant Classification Criteria Version 2. Collection method: clinical testing. Allele origin: germline. Affected: yes. Observed: 1 variant allele.
Comment: BSCL2: BP4, BP7